The following is an entry in ClinVar:

NM_001365276.2(TNXB):c.7620T>C (p.Leu2540=)

Gene: TNXB (tenascin XB; minus strand). Cytogenetic location: 6p21.33.
Variant type: single nucleotide variant.
Coding change: c.7620T>C on transcript NM_001365276.2 (MANE Select); coding-DNA position 7620, T replaced by C.
Protein change: p.Leu2540=; no amino-acid change (leucine 2540 retained).
Molecular consequence: synonymous variant.
Genome position (GRCh38, 1-based): chr6:32,058,263, A>G on the plus strand (T>C on the coding strand, the complement: TNXB is on the minus strand). VCF-style: chr6-32058263-A-G. GRCh37 (hg19) VCF-style: chr6-32026040-A-G.
Other names: p.Leu2540=; c.7620T>C, p.Leu2540= (NM_019105.8).
Identifiers: ClinVar variation 1759850 (VCV001759850.6), dbSNP rs547463127, ClinGen allele CA3734103.
Genomic context (GRCh38, chr6:32,058,263, plus strand): 5'-GTCCCTGTCCTTGTACTGCACGGTGAAGGAGTCAAAGCGGCCCTGGGGGACGGTCCAGGA[A>G]AGGCTCAGCGAGTCAGGGGAGGATCCTGTCACTGTCAGCTCCCCCAGGAGAGGCTCCTCG-3'
Protein context (NP_001352205.1, residues 2530-2550): VTGSSPDSLS[Leu2540=]SWTVPQGRFD

ClinVar aggregate classification (germline): Benign/Likely benign. Review status: criteria provided, multiple submitters, no conflicts (2 of 4 stars). 4 submissions from 4 submitters: Benign (1); Likely benign (2). 1 of the submissions does not count toward it. Last evaluated 2026-02-01.

Conditions:
Cardiovascular phenotype. Identifiers: MedGen CN230736.
TNXB-related disorder. Also called: TNXB-related condition.

Allele frequency attached by ClinVar (database versions not stated): ExAC 0.00162; 1000 Genomes Project 0.00879.

Submissions (4):

Labcorp Genetics (formerly Invitae), Labcorp
Classification: Likely benign. Last evaluated: 2026-02-01. Review status: criteria provided, single submitter. Criteria: Invitae Variant Classification Sherloc (09022015). Collection method: clinical testing. Allele origin: germline.

Mayo Clinic Laboratories, Mayo Clinic
Classification: Benign. Last evaluated: 2023-04-26. Review status: criteria provided, single submitter. Criteria: ACMG Guidelines, 2015. Collection method: clinical testing. Allele origin: germline. Observed: 8 variant alleles.
Comment: BS1, BS2, BP4, BP7

Ambry Genetics
Classification: Likely benign for Cardiovascular phenotype. Last evaluated: 2022-02-07. Review status: criteria provided, single submitter. Criteria: Ambry Variant Classification Scheme 2023. Collection method: clinical testing. Allele origin: germline.

PreventionGenetics, part of Exact Sciences
Classification: Benign for TNXB-related condition. Last evaluated: 2019-03-04. Review status: no assertion criteria provided. Collection method: clinical testing. Allele origin: germline. Not counted in ClinVar's aggregate classification.
Comment: This variant is classified as benign based on ACMG/AMP sequence variant interpretation guidelines (Richards et al. 2015 PMID: 25741868, with internal and published modifications).